The following is an entry in ClinVar:

ClinVar aggregate classification (germline): Conflicting classifications of pathogenicity. Review status: criteria provided, conflicting classifications (1 of 4 stars). 11 submissions from 11 submitters: Uncertain significance (8); Likely benign (2). 1 of the submissions does not count toward it. Last evaluated 2026-02-03.

Conditions:
Hereditary cancer-predisposing syndrome. Also called: Hereditary neoplastic syndrome; Hereditary Cancer Syndrome; Tumor predisposition; Neoplastic Syndromes, Hereditary. Identifiers: Orphanet 140162, MedGen C0027672, MeSH D009386, MONDO:0015356.
Glioma susceptibility 3 (GLM3). Also called: Glioblastoma 3. Identifiers: Orphanet 182067, Orphanet 360, MedGen C2751641, MONDO:0013093, OMIM 613029.
Prostate cancer. Also called: Malignant tumor of prostate. Identifiers: Orphanet 1331, MedGen C0376358, MONDO:0008315, HP:0012125.
Breast-ovarian cancer, familial, susceptibility to, 2 (BROVCA2). Also called: BRCA2 Hereditary Breast and Ovarian Cancer. Identifiers: Orphanet 145, MedGen C2675520, MONDO:0012933, OMIM 612555. Disease mechanism: loss of function.
Wilms tumor 1 (WT1). Also called: Wilms tumor, somatic. Identifiers: Orphanet 654, MedGen CN033288, MONDO:0008679, OMIM 194070.
Medulloblastoma (MDB). Also called: MEDULLOBLASTOMA PREDISPOSITION SYNDROME; Medulloblastoma, somatic. Identifiers: Orphanet 616, MedGen C0025149, MeSH D008527, MONDO:0007959, OMIM 155255, HP:0002885.
Fanconi anemia complementation group D1. Also called: BRCA2-Related Fanconi Anemia. Identifiers: Orphanet 319462, MedGen C1838457, MONDO:0011584, OMIM 605724.
Familial cancer of breast. Also called: Hereditary breast cancer; hereditary breast carcinoma; BREAST CANCER, FAMILIAL. Identifiers: Orphanet 227535, MedGen C0346153, MONDO:0016419, OMIM 114480. Disease mechanism: loss of function.
Pancreatic cancer, susceptibility to, 2. Identifiers: Orphanet 1333, MedGen C3150546, MONDO:0013235, OMIM 613347.
Hereditary breast ovarian cancer syndrome. Also called: Breast and ovarian cancer; Hereditary breast and/or ovarian cancer syndrome; Hereditary breast and ovarian cancer; Hereditary breast and ovarian cancer syndrome; BRCA1- and BRCA2-Associated Hereditary Breast and Ovarian Cancer; Hereditary breast and ovarian cancer syndrome (HBOC). Identifiers: Orphanet 145, MedGen C0677776, MeSH D061325, MONDO:0003582. Disease mechanism: loss of function.

Allele frequency attached by ClinVar (database versions not stated): ExAC 0.00001; gnomAD 0.00001; ESP Exome Variant Server 0.00008.
gnomAD v4.1: 1 of 1,609,248 alleles (0.000062%); highest among the groups gnomAD compares: Non-Finnish European, 0.000085%; no homozygotes.

Submissions (11):

Women's Health and Genetics/Laboratory Corporation of America, LabCorp
Classification: Uncertain significance. Last evaluated: 2026-02-03. Review status: criteria provided, single submitter. Criteria: LabCorp Variant Classification Summary - May 2015. Collection method: clinical testing. Allele origin: germline.
Comment: Variant summary: BRCA2 c.464G>C (p.Arg155Thr) results in a non-conservative amino acid change in the encoded protein sequence. Algorithms developed to predict the effect of missense changes on protein structure and function are either unavailable or do not agree on the potential impact of this missense change. The variant allele was found at a frequency of 4e-06 in 251052 control chromosomes. The available data on variant occurrences in the general population are insufficient to allow any conclusion about variant significance. c.464G>C has been observed in multiple individual(s) affected with clinical features and/or suspicion of Hereditary Breast And Ovarian Cancer Syndrome (example, Azzollini_2026, Patruno_2021, Fanale_2022, Capone_2018, Fanale_2021, Incorvaia_2020, Santonocito_2020) without strong evidence for causality. In at least 1 individual, this variant co-occurred with a pathogenic variant in BRCA1 (c.3228_3229delAG, p.Gly1077AlafsTer8), providing supporting benign evidence (example, Santonocito_2020). These report(s) do not provide unequivocal conclusions about association of the variant with Hereditary Breast And Ovarian Cancer Syndrome. To our knowledge, no experimental evidence demonstrating an impact on protein function has been reported. The following publications have been ascertained in the context of this evaluation (PMID: 27062684, 36759000, 26689913, 34572941, 35150867, 29061375, 34178674, 32380732, 32438681, 28481359). ClinVar contains an entry for this variant (Variation ID: 37916). Based on the evidence outlined above, the variant was classified as uncertain significance.

Color Diagnostics, LLC DBA Color Health
Classification: Likely benign for Hereditary cancer-predisposing syndrome. Last evaluated: 2025-08-13. Review status: criteria provided, single submitter. Criteria: ACMG Guidelines, 2015. Collection method: clinical testing. Allele origin: germline.

Labcorp Genetics (formerly Invitae), Labcorp
Classification: Uncertain significance for Hereditary breast ovarian cancer syndrome. Last evaluated: 2025-07-24. Review status: criteria provided, single submitter. Criteria: Invitae Variant Classification Sherloc (09022015). Collection method: clinical testing. Allele origin: germline.
Comment: This sequence change replaces arginine, which is basic and polar, with threonine, which is neutral and polar, at codon 155 of the BRCA2 protein (p.Arg155Thr). This variant is present in population databases (rs377639990, gnomAD 0.0009%). This missense change has been observed in individual(s) with breast and/or ovarian cancer (PMID: 27062684, 32438681, 34178674). ClinVar contains an entry for this variant (Variation ID: 37916). Invitae Evidence Modeling of protein sequence and biophysical properties (such as structural, functional, and spatial information, amino acid conservation, physicochemical variation, residue mobility, and thermodynamic stability) indicates that this missense variant is not expected to disrupt BRCA2 protein function with a negative predictive value of 95%. In summary, the available evidence is currently insufficient to determine the role of this variant in disease. Therefore, it has been classified as a Variant of Uncertain Significance.

Ambry Genetics
Classification: Uncertain significance for Hereditary cancer-predisposing syndrome. Last evaluated: 2025-06-28. Review status: criteria provided, single submitter. Criteria: Ambry Variant Classification Scheme 2023. Collection method: clinical testing. Allele origin: germline.
Comment: The p.R155T variant (also known as c.464G>C), located in coding exon 4 of the BRCA2 gene, results from a G to C substitution at nucleotide position 464. The arginine at codon 155 is replaced by threonine, an amino acid with similar properties. In a study of 1854 high-risk breast/ovarian cancer families in Italy, this alteration was detected in 1 family (Azzollini J et al, Eur J Intern Med. 2016 Jul;32:65-71). In another study, this alteration was identified in a patient with breast cancer; however this individual was also found to carry a pathogenic mutation in the BRCA1 gene (Santonocito C et al, Cancers (Basel). 2020 May;12:). This alteration was also identified within a cohort of 874 unrelated Italian breast or ovarian cancer patients undergoing genetic testing based on suspicion for HBOC (Fanale D et al. Front Oncol, 2021 Jun;11:682445). This amino acid position is well conserved in available vertebrate species. In addition, this alteration is predicted to be tolerated by in silico analysis. Since supporting evidence is limited at this time, the clinical significance of this alteration remains unclear.

Mendelics
Classification: Likely benign for Hereditary cancer-predisposing syndrome. Last evaluated: 2024-04-08. Review status: criteria provided, single submitter. Criteria: ACMG Guidelines, 2015. Collection method: clinical testing. Allele origin: unknown.

Blueprint Genetics
Classification: Uncertain significance. Last evaluated: 2024-02-22. Review status: criteria provided, single submitter. Criteria: ACMG Guidelines, 2015. Collection method: clinical testing. Allele origin: germline.

All of Us Research Program, National Institutes of Health
Classification: Uncertain significance for Breast-ovarian cancer, familial, susceptibility to, 2. Last evaluated: 2023-12-13. Review status: criteria provided, single submitter. Criteria: ACMG Guidelines, 2015. Collection method: clinical testing. Allele origin: germline. Inheritance: Autosomal dominant inheritance. Observed: 3 variant alleles, 3 heterozygotes.
Comment: This missense variant replaces arginine with threonine at codon 155 of the BRCA2 protein. Computational prediction suggests that this variant may not impact protein structure and function (internally defined REVEL score threshold <= 0.5, PMID: 27666373). To our knowledge, functional studies have not been reported for this variant. This variant has been reported in individuals with a personal and/or family history of breast or ovarian cancer (PMID: 32438681, 34178674, 34572941). An individual affected with breast cancer carried both this variant and a pathogenic BRCA1 co-variant (PMID: 32438681). This variant also has been reported in a breast cancer case-control meta-analysis in 1/53460 unaffected individuals and absent in 60466 cases (PMID: 33471991; Leiden Open Variation Database DB-ID BRCA2_007554). This variant has been identified in 1/251052 chromosomes in the general population by the Genome Aggregation Database (gnomAD). The available evidence is insufficient to determine the role of this variant in disease conclusively. Therefore, this variant is classified as a Variant of Uncertain Significance.

This study involves interpretation of variants in research participants for the purpose of population health screening. Participant phenotype was not available at the time of variant classification. Additional details can be found in publication PMID: 35346344, PMCID: PMC8962531

Fulgent Genetics
Classification: Uncertain significance for Familial cancer of breast; Medulloblastoma; Familial prostate cancer; Wilms tumor 1; Fanconi anemia complementation group D1; Breast-ovarian cancer, familial, susceptibility to, 2; Glioma susceptibility 3; Pancreatic cancer, susceptibility to, 2. Last evaluated: 2022-03-04. Review status: criteria provided, single submitter. Criteria: ACMG Guidelines, 2015. Collection method: clinical testing. Allele origin: unknown.

GeneDx
Classification: Uncertain significance. Last evaluated: 2018-09-06. Review status: criteria provided, single submitter. Criteria: GeneDx Variant Classification (06012015). Collection method: clinical testing. Allele origin: germline. Affected: yes.
Comment: This variant is denoted BRCA2 c.464G>C at the cDNA level, p.Arg155Thr (R155T) at the protein level, and results in the change of an Arginine to a Threonine (AGA>ACA). Using alternate nomenclature, this variant would be defined as BRCA2 692G>C. This variant has been observed in an individual with breast or ovarian cancer and an individual with low-grade glioma (Lu 2015, Azzollini 2016). BRCA2 Arg155Thr was not observed at a significant allele frequency in large population cohorts (Lek 2016This variant is not located in a known functional domain. In silico analysis, which includes protein predictors and evolutionary conservation, supports that this variant does not alter protein structure/function. Based on currently available evidence, it is unclear whether BRCA2 Arg155Thr is a pathogenic or benign variant. We consider it to be a variant of uncertain significance.

Quest Diagnostics Nichols Institute San Juan Capistrano
Classification: Uncertain significance. Last evaluated: 2017-01-26. Review status: criteria provided, single submitter. Criteria: Quest Diagnostics criteria. Collection method: clinical testing. Allele origin: germline.

Sharing Clinical Reports Project (SCRP)
Classification: Uncertain significance for Breast-ovarian cancer, familial 2. Last evaluated: 2010-05-05. Review status: no assertion criteria provided. Collection method: clinical testing. Allele origin: germline. Not counted in ClinVar's aggregate classification.

Literature cited by the submitters: PubMed 26689913 (cited by Women's Health and Genetics/Laboratory Corporation of America, LabCorp); PubMed 27062684 (cited by 3 submitters); PubMed 32438681 (cited by 4 submitters); PubMed 32380732 (cited by Women's Health and Genetics/Laboratory Corporation of America, LabCorp); PubMed 28481359 (cited by Women's Health and Genetics/Laboratory Corporation of America, LabCorp); PubMed 34178674 (cited by 4 submitters); PubMed 29061375 (cited by Women's Health and Genetics/Laboratory Corporation of America, LabCorp); PubMed 35150867 (cited by Women's Health and Genetics/Laboratory Corporation of America, LabCorp); PubMed 34572941 (cited by Women's Health and Genetics/Laboratory Corporation of America, LabCorp and All of Us Research Program, National Institutes of Health); PubMed 36759000 (cited by Women's Health and Genetics/Laboratory Corporation of America, LabCorp); PubMed 33471991 (cited by All of Us Research Program, National Institutes of Health).

NM_000059.4(BRCA2):c.464G>C (p.Arg155Thr)

Gene: BRCA2 (BRCA2 DNA repair associated; plus strand). Cytogenetic location: 13q13.1.
Variant type: single nucleotide variant.
Coding change: c.464G>C on transcript NM_000059.4 (MANE Select); coding-DNA position 464, G replaced by C.
Protein change: p.Arg155Thr; replaces arginine 155 with threonine.
Molecular consequence: missense variant.
Genome position (GRCh38, 1-based): chr13:32,326,139, G>C. VCF-style: chr13-32326139-G-C. GRCh37 (hg19) VCF-style: chr13-32900276-G-C.
Other names: R115T; p.R155T:AGA>ACA; 692G>C; short protein forms R155T.
Identifiers: ClinVar variation 37916 (VCV000037916.29), dbSNP rs377639990, ClinGen allele CA020592.